The following is an entry in ClinVar:

ClinVar aggregate classification (germline): Likely pathogenic. Review status: criteria provided, multiple submitters, no conflicts (2 of 4 stars). 2 submissions from 2 submitters: Likely pathogenic (2). Last evaluated 2023-08-29.

Conditions:
Autosomal recessive ataxia due to ubiquinone deficiency. Also called: Coenzyme Q10 deficiency, primary, 4; SPINOCEREBELLAR ATAXIA, AUTOSOMAL RECESSIVE 9. Identifiers: Orphanet 139485, MedGen C2677589, MONDO:0012784, OMIM 612016.

Allele frequency attached by ClinVar (database versions not stated): gnomAD exomes below 0.00001; ExAC 0.00001.
gnomAD v4.1: 1 of 1,604,966 alleles (0.000062%); highest among the groups gnomAD compares: Non-Finnish European, 0.000085%; no homozygotes.

Submissions (2):

3billion
Classification: Likely pathogenic for Autosomal recessive ataxia due to ubiquinone deficiency. Last evaluated: 2023-08-29. Review status: criteria provided, single submitter. Criteria: ACMG Guidelines, 2015. Collection method: clinical testing. Allele origin: germline. Affected: yes.
Comment: The variant is observed at an extremely low frequency in the gnomAD v2.1.1 dataset (total allele frequency: 0.000%). Predicted Consequence/Location: Missense variant In silico tool predictions suggest damaging effect of the variant on gene or gene product [REVEL: 0.62 (>=0.6, sensitivity 0.68 and specificity 0.92); 3Cnet: 0.87 (>=0.6, sensitivity 0.72 and precision 0.9)]. Same nucleotide change resulting in same amino acid change (ClinVar ID: VCV000807531 /PMID: 32337771) and a different missense change at the same codon (p.Ala338Thr / PMID: 32334381) has been previously reported to be associated with COQ8A related disorder. Therefore, this variant is classified as Likely pathogenic according to the recommendation of ACMG/AMP guideline.

Institute of Human Genetics Munich, TUM University Hospital
Classification: Likely pathogenic for Autosomal recessive ataxia due to ubiquinone deficiency. Last evaluated: 2019-05-29. Review status: criteria provided, single submitter. Criteria: Classification criteria August 2017. Collection method: clinical testing. Allele origin: germline. Inheritance: Autosomal recessive inheritance. Affected: yes. Observed: 1 compound heterozygote.

Literature cited by the submitters: PubMed 32337771 (cited by 3billion); PubMed 32334381 (cited by 3billion).

NM_020247.5(COQ8A):c.1013C>T (p.Ala338Val)

Gene: COQ8A (coenzyme Q8A; plus strand). Cytogenetic location: 1q42.13.
Variant type: single nucleotide variant.
Coding change: c.1013C>T on transcript NM_020247.5 (MANE Select); coding-DNA position 1013, C replaced by T.
Protein change: p.Ala338Val; replaces alanine 338 with valine.
Molecular consequence: missense variant.
Genome position (GRCh38, 1-based): chr1:226,982,967, C>T. VCF-style: chr1-226982967-C-T. GRCh37 (hg19) VCF-style: chr1-227170668-C-T.
Other names: short protein forms A338V.
Identifiers: ClinVar variation 807531 (VCV000807531.3), dbSNP rs767406263, ClinGen allele CA1425268.